The following is an entry in ClinVar:

ClinVar aggregate classification (germline): Conflicting classifications of pathogenicity. Review status: criteria provided, conflicting classifications (1 of 4 stars). 5 submissions from 5 submitters: Uncertain significance (3); Likely benign (2). Last evaluated 2026-06-02.

Conditions:
MYH7-related disorder. Also called: MYH7-related condition; MYH7-related disease; MYH7-related disorders.
Cardiovascular phenotype. Identifiers: MedGen CN230736.
Cardiomyopathy (CMYO). Also called: Cardiomyopathies. Identifiers: Orphanet 167848, MedGen C0878544, MONDO:0004994, HP:0001638. Inheritance: Various modes of inheritance.
Hypertrophic cardiomyopathy. Also called: HYPERTROPHIC MYOCARDIOPATHY. Identifiers: Orphanet 217569, MedGen C0007194, MeSH D002312, MONDO:0005045, HP:0001639.

Allele frequency attached by ClinVar (database versions not stated): gnomAD exomes below 0.00001; ExAC 0.00001; gnomAD 0.00002; TOPMed 0.00002.
gnomAD v4.1: 3 of 1,612,476 alleles (0.00019%); highest among the groups gnomAD compares: African/African-American, 0.004%; no homozygotes.

Submissions (5):

PreventionGenetics, part of Exact Sciences
Classification: Uncertain significance for MYH7-related condition. Last evaluated: 2026-06-02. Review status: criteria provided, single submitter. Criteria: ACMG Guidelines, 2015. Collection method: clinical testing. Allele origin: germline.
Comment: The MYH7 c.4170-5G>A variant is predicted to interfere with splicing. To our knowledge, this variant has not been reported in the literature. This variant is reported in 0.0062% of alleles in individuals of African descent in gnomAD. At this time, the clinical significance of this variant is uncertain due to the absence of conclusive functional and genetic evidence.

Labcorp Genetics (formerly Invitae), Labcorp
Classification: Likely benign for Hypertrophic cardiomyopathy. Last evaluated: 2025-12-20. Review status: criteria provided, single submitter. Criteria: Invitae Variant Classification Sherloc (09022015). Collection method: clinical testing. Allele origin: germline.

Ambry Genetics
Classification: Uncertain significance for Cardiovascular phenotype. Last evaluated: 2025-10-30. Review status: criteria provided, single submitter. Criteria: Ambry Variant Classification Scheme 2023. Collection method: clinical testing. Allele origin: germline.
Comment: The c.4170-5G>A intronic variant results from a G to A substitution 5 nucleotides upstream from coding exon 29 in the MYH7 gene. This nucleotide position is well conserved in available vertebrate species. In silico splice site analysis predicts that this alteration will not have any significant effect on splicing. Based on the available evidence, the clinical significance of this variant remains unclear.

Color Diagnostics, LLC DBA Color Health
Classification: Likely benign for Cardiomyopathy. Last evaluated: 2025-09-11. Review status: criteria provided, single submitter. Criteria: ACMG Guidelines, 2015. Collection method: clinical testing. Allele origin: germline.

Institute for Clinical Genetics, University Hospital TU Dresden, University Hospital TU Dresden
Classification: Uncertain significance. Last evaluated: 2023-05-17. Review status: criteria provided, single submitter. Criteria: ACMG Guidelines, 2015. Collection method: clinical testing. Allele origin: paternal.
Comment: PM2_SUP

NM_000257.4(MYH7):c.4170-5G>A

Gene: MYH7 (myosin heavy chain 7; minus strand). Cytogenetic location: 14q11.2.
Variant type: single nucleotide variant.
Coding change: c.4170-5G>A on transcript NM_000257.4 (MANE Select); 5 bases into the intron before coding-DNA position 4170, G replaced by A.
Molecular consequence: intron variant.
Genome position (GRCh38, 1-based): chr14:23,417,691, C>T on the plus strand (G>A on the coding strand, the complement: MYH7 is on the minus strand). VCF-style: chr14-23417691-C-T. GRCh37 (hg19) VCF-style: chr14-23886900-C-T.
Identifiers: ClinVar variation 861005 (VCV000861005.15), dbSNP rs755468667, ClinGen allele CA041051.